The following is an entry in ClinVar:

ClinVar aggregate classification (germline): Uncertain significance (1 of 4 stars; one submission).

Conditions:
Spastic paraplegia. Identifiers: MedGen C0037772, HP:0001258.

Submission:

Labcorp Genetics (formerly Invitae), Labcorp
Classification: Uncertain significance for Spastic paraplegia. Last evaluated: 2022-08-20. Review status: criteria provided, single submitter. Criteria: Invitae Variant Classification Sherloc (09022015). Collection method: clinical testing. Allele origin: germline.
Comment: Algorithms developed to predict the effect of missense changes on protein structure and function (SIFT, PolyPhen-2, Align-GVGD) all suggest that this variant is likely to be tolerated. In summary, the available evidence is currently insufficient to determine the role of this variant in disease. Therefore, it has been classified as a Variant of Uncertain Significance. This variant has not been reported in the literature in individuals affected with B4GALNT1-related conditions. This variant is not present in population databases (gnomAD no frequency). This sequence change replaces alanine, which is neutral and non-polar, with glycine, which is neutral and non-polar, at codon 277 of the B4GALNT1 protein (p.Ala277Gly).

NM_001478.5(B4GALNT1):c.830C>G (p.Ala277Gly)

Gene: B4GALNT1 (beta-1,4-N-acetyl-galactosaminyltransferase 1; minus strand). Cytogenetic location: 12q13.3.
Variant type: single nucleotide variant.
Coding change: c.830C>G on transcript NM_001478.5 (MANE Select); coding-DNA position 830, C replaced by G.
Protein change: p.Ala277Gly; replaces alanine 277 with glycine.
Molecular consequence: missense variant.
Genome position (GRCh38, 1-based): chr12:57,628,885, G>C on the plus strand (C>G on the coding strand, the complement: B4GALNT1 is on the minus strand). VCF-style: chr12-57628885-G-C. GRCh37 (hg19) VCF-style: chr12-58022668-G-C.
Other names: c.665C>G, p.Ala222Gly (NM_001276468.2); short protein forms A222G, A277G.
Identifiers: ClinVar variation 1716957 (VCV001716957.5), dbSNP rs2540658892, ClinGen allele CA385497299.